The following is an entry in ClinVar:

NM_016180.5(SLC45A2):c.777A>C (p.Pro259=)

Gene: SLC45A2 (solute carrier family 45 member 2; minus strand). Cytogenetic location: 5p13.2.
Variant type: single nucleotide variant.
Coding change: c.777A>C on transcript NM_016180.5 (MANE Select); coding-DNA position 777, A replaced by C.
Protein change: p.Pro259=; no amino-acid change (proline 259 retained).
Molecular consequence: synonymous variant. On other transcripts: intron variant (1).
Genome position (GRCh38, 1-based): chr5:33,963,802, T>G on the plus strand (A>C on the coding strand, the complement: SLC45A2 is on the minus strand). VCF-style: chr5-33963802-T-G. GRCh37 (hg19) VCF-style: chr5-33963907-T-G.
Other names: c.777A>C, p.Pro259= (NM_001012509.4); c.563-9298A>C (NM_001297417.4); c.777A>C (NM_016180.4).
Identifiers: ClinVar variation 1580608 (VCV001580608.11), dbSNP rs765425532, ClinGen allele CA3225703.

ClinVar aggregate classification (germline): Likely benign. Review status: criteria provided, multiple submitters, no conflicts (2 of 4 stars). 3 submissions from 3 submitters: Likely benign (2). 1 of the submissions does not count toward it. Last evaluated 2025-11-23.

Conditions:
SLC45A2-related disorder. Also called: SLC45A2-related condition.

Allele frequency attached by ClinVar (database versions not stated): TOPMed 0.00002.
gnomAD v4.1: 88 of 1,614,070 alleles (0.0055%); highest among the groups gnomAD compares: Non-Finnish European, 0.0064%; no homozygotes.

Submissions (3):

Labcorp Genetics (formerly Invitae), Labcorp
Classification: Likely benign. Last evaluated: 2025-11-23. Review status: criteria provided, single submitter. Criteria: Invitae Variant Classification Sherloc (09022015). Collection method: clinical testing. Allele origin: germline.

Blueprint Genetics
Classification: Likely benign. Last evaluated: 2024-01-11. Review status: criteria provided, single submitter. Criteria: ACMG Guidelines, 2015. Collection method: clinical testing. Allele origin: germline.

PreventionGenetics, part of Exact Sciences
Classification: Likely benign for SLC45A2-related condition. Last evaluated: 2019-06-13. Review status: no assertion criteria provided. Collection method: clinical testing. Allele origin: germline. Not counted in ClinVar's aggregate classification.
Comment: This variant is classified as likely benign based on ACMG/AMP sequence variant interpretation guidelines (Richards et al. 2015 PMID: 25741868, with internal and published modifications).